The following is an entry in ClinVar:

NM_003611.3(OFD1):c.308_312del (p.Glu103fs)

Gene: OFD1 (OFD1 centriole and centriolar satellite protein; plus strand). Cytogenetic location: Xp22.2.
Variant type: Microsatellite.
Coding change: c.308_312del on transcript NM_003611.3 (MANE Select); coding-DNA positions 308 to 312, 5 bases deleted (AAAAG; older notation c.308_312delAAAAG).
Protein change: p.Glu103fs; shifts the reading frame from glutamic acid 103.
Molecular consequence: frameshift variant. On other transcripts: 5 prime UTR variant (1).
Genome position (GRCh38, 1-based): chrX:13,736,674-13,736,678, AAAAG deleted; deleting any 5 consecutive bases within chrX:13,736,669-13,736,678 gives the same sequence; the c. name uses the placement nearest the transcript's 3' end. VCF-style (leftmost placement, unchanged base first): chrX-13736668-CAAAAG-C. GRCh37 (hg19) VCF-style: chrX-13754787-CAAAAG-C.
Other names: c.308_312del, p.Glu103fs (NM_001330209.2); c.-243AAAAG[1] (NM_001330210.2); short protein forms E103fs.
Identifiers: ClinVar variation 2942247 (VCV002942247.3), dbSNP rs2518759610, ClinGen allele CA2740092013.

ClinVar aggregate classification (germline): Pathogenic (1 of 4 stars; one submission).

Conditions:
Joubert syndrome. Also called: CEREBELLOPARENCHYMAL DISORDER IV; JOUBERT-BOLTSHAUSER SYNDROME; Familial aplasia of the vermis. Identifiers: Orphanet 475, MedGen C5979921, MONDO:0018772.
Orofaciodigital syndrome I (OFD1). Also called: OFDS I; Papillon-Leage and Psaume Syndrome; Oral-Facial-Digital Syndrome Type I. Identifiers: Orphanet 2750, MedGen C1510460, MONDO:0010702, OMIM 311200.

Submission:

Labcorp Genetics (formerly Invitae), Labcorp
Classification: Pathogenic for Orofaciodigital syndrome I; Joubert syndrome. Last evaluated: 2022-12-13. Review status: criteria provided, single submitter. Criteria: Invitae Variant Classification Sherloc (09022015). Collection method: clinical testing. Allele origin: germline.
Comment: For these reasons, this variant has been classified as Pathogenic. Algorithms developed to predict the effect of sequence changes on RNA splicing suggest that this variant may disrupt the consensus splice site. This variant has not been reported in the literature in individuals affected with OFD1-related conditions. This variant is not present in population databases (gnomAD no frequency). This sequence change creates a premature translational stop signal (p.Glu103Glyfs*12) in the OFD1 gene. It is expected to result in an absent or disrupted protein product. Loss-of-function variants in OFD1 are known to be pathogenic (PMID: 16783569, 18546297, 27081566).

Literature cited by the submitters: PubMed 16783569; PubMed 18546297; PubMed 27081566.